The following is an entry in ClinVar:

ClinVar aggregate classification (germline): Benign. Review status: criteria provided, multiple submitters, no conflicts (2 of 4 stars). 14 submissions from 14 submitters: Benign (11). 3 of the submissions do not count toward it. Last evaluated 2026-02-04.

Conditions:
Dystrophin deficiency.
Sarcoglycanopathy. Identifiers: Orphanet 207052, MedGen C2936331, MONDO:0016140.
Autosomal recessive limb-girdle muscular dystrophy type 2D (LGMDR3). Also called: MUSCULAR DYSTROPHY, LIMB-GIRDLE, AUTOSOMAL RECESSIVE 3; DUCHENNE-LIKE AUTOSOMAL RECESSIVE MUSCULAR DYSTROPHY, TYPE 2; ADHALINOPATHY, PRIMARY. Identifiers: Orphanet 62, MedGen C2936332, MONDO:0011968, OMIM 608099. Disease mechanism: Affects gamma-sarcoglycan and also disrupts the integrity of the entire sarcoglycan complex..

Allele frequency attached by ClinVar (database versions not stated): gnomAD 0.08920 and 0.08466; TOPMed 0.09065; ESP Exome Variant Server 0.09473; gnomAD exomes 0.04224; ExAC 0.04497; 1000 Genomes Project 0.07867; 1000 Genomes Project 30x 0.08417.
gnomAD v4.1: 75,685 of 1,613,718 alleles (4.7%); highest among the groups gnomAD compares: African/African-American, 21%; 2,955 homozygotes.

Submissions (14):

Labcorp Genetics (formerly Invitae), Labcorp
Classification: Benign for Autosomal recessive limb-girdle muscular dystrophy type 2D. Last evaluated: 2026-02-04. Review status: criteria provided, single submitter. Criteria: Invitae Variant Classification Sherloc (09022015). Collection method: clinical testing. Allele origin: germline.

Athena Diagnostics
Classification: Benign. Last evaluated: 2025-07-17. Review status: criteria provided, single submitter. Criteria: Athena Diagnostics Criteria. Collection method: clinical testing. Allele origin: unknown.
Comment: The frequency of this variant in the general population is higher than would generally be expected for pathogenic variants in this gene.

Genome-Nilou Lab
Classification: Benign for Autosomal recessive limb-girdle muscular dystrophy type 2D. Last evaluated: 2023-02-08. Review status: criteria provided, single submitter. Criteria: ACMG Guidelines, 2015. Collection method: clinical testing. Allele origin: germline.

Illumina Laboratory Services, Illumina
Classification: Benign for Sarcoglycanopathy. Last evaluated: 2018-01-12. Review status: criteria provided, single submitter. Criteria: ICSL Variant Classification Criteria 13 December 2019. Collection method: clinical testing. Allele origin: germline.
Comment: This variant was observed in the ICSL laboratory as part of a predisposition screen in an ostensibly healthy population. It had not been previously curated by ICSL or reported in the Human Gene Mutation Database (HGMD: prior to June 1st, 2018), and was therefore a candidate for classification through an automated scoring system. Utilizing variant allele frequency, disease prevalence and penetrance estimates, and inheritance mode, an automated score was calculated to assess if this variant is too frequent to cause the disease. Based on the score and internal cut-off values, a variant classified as benign is not then subjected to further curation. The score for this variant resulted in a classification of benign for this disease.

Mayo Clinic Laboratories, Mayo Clinic
Classification: Benign. Last evaluated: 2017-12-06. Review status: criteria provided, single submitter. Criteria: ACMG Guidelines, 2015. Collection method: clinical testing. Allele origin: germline. Observed: 71 variant alleles.

GeneDx
Classification: Benign. Last evaluated: 2016-02-17. Review status: criteria provided, single submitter. Criteria: GeneDx Variant Classification (06012015). Collection method: clinical testing. Allele origin: germline. Affected: yes.
Comment: This variant is considered likely benign or benign based on one or more of the following criteria: it is a conservative change, it occurs at a poorly conserved position in the protein, it is predicted to be benign by multiple in silico algorithms, and/or has population frequency not consistent with disease.

Laboratory for Molecular Medicine, Mass General Brigham Personalized Medicine
Classification: Benign. Last evaluated: 2015-01-13. Review status: criteria provided, single submitter. Criteria: LMM Criteria. Collection method: clinical testing. Allele origin: germline. Observed: 2 variant alleles.
Comment: p.Val311Val in exon 7 of SGCA: This variant is not expected to have clinical sig nificance because it does not alter an amino acid residue and is not located wit hin the splice consensus sequence. It has been identified in 19.8% (874/4406) of African American chromosomes from a broad population by the NHLBI Exome Sequenc ing Project (dbSNP rs1801191).

Eurofins Ntd Llc (ga)
Classification: Benign. Last evaluated: 2014-02-16. Review status: criteria provided, single submitter. Criteria: EGL Classification Definitions 2015. Collection method: clinical testing. Allele origin: germline. Observed: 8 variant alleles, 7 heterozygotes, 1 homozygote.

Genetic Services Laboratory, University of Chicago
Classification: Benign for AllHighlyPenetrant. Last evaluated: 2013-08-15. Review status: criteria provided, single submitter. Criteria: ACMG Guidelines, 2007. Collection method: clinical testing. Allele origin: germline. Inheritance: Autosomal recessive inheritance.

Breakthrough Genomics
Classification: Benign. Review status: criteria provided, single submitter. Criteria: ACMG Guidelines, 2015. Collection method: not provided. Allele origin: germline. Inheritance: Autosomal recessive inheritance. Affected: yes.

PreventionGenetics, part of Exact Sciences
Classification: Benign. Review status: criteria provided, single submitter. Criteria: ACMG Guidelines, 2015. Collection method: clinical testing. Allele origin: germline.

Natera, Inc.
Classification: Benign for Dystrophin deficiency. Last evaluated: 2020-09-16. Review status: no assertion criteria provided. Collection method: clinical testing. Allele origin: germline. Not counted in ClinVar's aggregate classification.

Clinical Genetics, Academic Medical Center
Classification: Benign. Review status: no assertion criteria provided. Collection method: clinical testing. Allele origin: germline. Affected: yes. Study: VKGL Data-share Consensus. Not counted in ClinVar's aggregate classification.

Laboratory of Diagnostic Genome Analysis, Leiden University Medical Center (LUMC)
Classification: Benign. Review status: no assertion criteria provided. Collection method: clinical testing. Allele origin: germline. Affected: yes. Study: VKGL Data-share Consensus. Not counted in ClinVar's aggregate classification.

Literature cited by the submitters: PubMed 9192266 (cited by Athena Diagnostics).

NM_000023.4(SGCA):c.933C>T (p.Val311=)

Gene: SGCA (sarcoglycan alpha; plus strand). Cytogenetic location: 17q21.33.
Variant type: single nucleotide variant.
Coding change: c.933C>T on transcript NM_000023.4 (MANE Select); coding-DNA position 933, C replaced by T.
Protein change: p.Val311=; no amino-acid change (valine 311 retained).
Molecular consequence: synonymous variant. On other transcripts: intron variant (1).
Genome position (GRCh38, 1-based): chr17:50,170,328, C>T. VCF-style: chr17-50170328-C-T. GRCh37 (hg19) VCF-style: chr17-48247689-C-T.
Other names: p.Val311=; c.585-312C>T (NM_001135697.3).
Identifiers: ClinVar variation 130294 (VCV000130294.35), dbSNP rs1801191, ClinGen allele CA155177.